The following is an entry in ClinVar:

NM_000255.4(MMUT):c.1808+15T>C

Gene: MMUT (methylmalonyl-CoA mutase; minus strand). Cytogenetic location: 6p12.3.
Variant type: single nucleotide variant.
Coding change: c.1808+15T>C on transcript NM_000255.4 (MANE Select); 15 bases into the intron after coding-DNA position 1808, T replaced by C.
Molecular consequence: intron variant.
Genome position (GRCh38, 1-based): chr6:49,441,825, A>G on the plus strand (T>C on the coding strand, the complement: MMUT is on the minus strand). VCF-style: chr6-49441825-A-G. GRCh37 (hg19) VCF-style: chr6-49409538-A-G.
Identifiers: ClinVar variation 357255 (VCV000357255.13), dbSNP rs369131814, ClinGen allele CA3846744.
Genomic context (GRCh38, chr6:49,441,825, plus strand): 5'-AAGCTCCCAGTAGATTCAAGGGGATTGTGCTAACAGAAAAGATGAAATTCTGGCCTAAGA[A>G]ACCTTACATATTACCTCTTGATAGCAGATGTTATCTCTTTACTTTCTCCAAATTCCTGGC-3'

ClinVar aggregate classification (germline): Conflicting classifications of pathogenicity. Review status: criteria provided, conflicting classifications (1 of 4 stars). 4 submissions from 4 submitters: Uncertain significance (1); Benign (1); Likely benign (2). Last evaluated 2026-01-28.

Conditions:
Methylmalonic aciduria due to methylmalonyl-CoA mutase deficiency (MAMM). Also called: Methylmalonic aciduria, mut type. Identifiers: Orphanet 27, MedGen C1855114, MONDO:0009612, OMIM 251000.

Allele frequency attached by ClinVar (database versions not stated): ExAC 0.00012; gnomAD exomes 0.00015 and 0.00022; gnomAD 0.00020 and 0.00021; TOPMed 0.00022; ESP Exome Variant Server 0.00031.
gnomAD v4.1: 264 of 1,607,908 alleles (0.016%); highest among the groups gnomAD compares: Middle Eastern, 0.25%; 1 homozygote.

Submissions (4):

Labcorp Genetics (formerly Invitae), Labcorp
Classification: Benign. Last evaluated: 2026-01-28. Review status: criteria provided, single submitter. Criteria: Invitae Variant Classification Sherloc (09022015). Collection method: clinical testing. Allele origin: germline.

Blueprint Genetics
Classification: Likely benign. Last evaluated: 2024-11-25. Review status: criteria provided, single submitter. Criteria: ACMG Guidelines, 2015. Collection method: clinical testing. Allele origin: germline.

Illumina Laboratory Services, Illumina
Classification: Uncertain significance for Methylmalonic aciduria due to methylmalonyl-CoA mutase deficiency. Last evaluated: 2018-01-12. Review status: criteria provided, single submitter. Criteria: ICSL Variant Classification Criteria 13 December 2019. Collection method: clinical testing. Allele origin: germline.

GeneDx
Classification: Likely benign. Last evaluated: 2016-03-11. Review status: criteria provided, single submitter. Criteria: GeneDx Variant Classification (06012015). Collection method: clinical testing. Allele origin: germline. Affected: yes.
Comment: This variant is considered likely benign or benign based on one or more of the following criteria: it is a conservative change, it occurs at a poorly conserved position in the protein, it is predicted to be benign by multiple in silico algorithms, and/or has population frequency not consistent with disease.